The following is an entry in ClinVar:

NM_016203.4(PRKAG2):c.524T>G (p.Phe175Cys)

Gene: PRKAG2 (protein kinase AMP-activated non-catalytic subunit gamma 2; minus strand). Cytogenetic location: 7q36.1.
Variant type: single nucleotide variant.
Coding change: c.524T>G on transcript NM_016203.4 (MANE Select); coding-DNA position 524, T replaced by G.
Protein change: p.Phe175Cys; replaces phenylalanine 175 with cysteine.
Molecular consequence: missense variant.
Genome position (GRCh38, 1-based): chr7:151,675,580, A>C on the plus strand (T>G on the coding strand, the complement: PRKAG2 is on the minus strand). VCF-style: chr7-151675580-A-C. GRCh37 (hg19) VCF-style: chr7-151372666-A-C.
Other names: c.392T>G, p.Phe131Cys (NM_001040633.2); c.152T>G, p.Phe51Cys (NM_001304527.2, NM_001363698.2); short protein forms F131C, F175C, F51C.
Identifiers: ClinVar variation 1171672 (VCV001171672.4), dbSNP rs2151477251, ClinGen allele CA370188129.

ClinVar aggregate classification (germline): Uncertain significance (1 of 4 stars; one submission).

Conditions:
Cardiomyopathy (CMYO). Also called: Cardiomyopathies. Identifiers: Orphanet 167848, MedGen C0878544, MONDO:0004994, HP:0001638. Inheritance: Various modes of inheritance.

Submission:

Color Diagnostics, LLC DBA Color Health
Classification: Uncertain significance for Cardiomyopathy. Last evaluated: 2024-03-06. Review status: criteria provided, single submitter. Criteria: ACMG Guidelines, 2015. Collection method: clinical testing. Allele origin: germline.
Comment: This missense variant replaces phenylalanine with cysteine at codon 175 of the PRKAG2 protein. Computational prediction is inconclusive regarding the impact of this variant on protein structure and function (internally defined REVEL score threshold 0.5 < inconclusive < 0.7, PMID: 27666373). To our knowledge, functional studies have not been reported for this variant. This variant has not been reported in individuals affected with PRKAG2-related disorders in the literature. This variant has not been identified in the general population by the Genome Aggregation Database (gnomAD). The available evidence is insufficient to determine the role of this variant in disease conclusively. Therefore, this variant is classified as a Variant of Uncertain Significance.